The following is an entry in ClinVar:

NM_001374353.1(GLI2):c.653T>G (p.Phe218Cys)

Gene: GLI2 (GLI family zinc finger 2; plus strand). Cytogenetic location: 2q14.2.
Variant type: single nucleotide variant.
Coding change: c.653T>G on transcript NM_001374353.1 (MANE Select); coding-DNA position 653, T replaced by G.
Protein change: p.Phe218Cys; replaces phenylalanine 218 with cysteine.
Molecular consequence: missense variant.
Genome position (GRCh38, 1-based): chr2:120,968,723, T>G. VCF-style: chr2-120968723-T-G. GRCh37 (hg19) VCF-style: chr2-121726299-T-G.
Other names: c.653T>G, p.Phe218Cys (NM_001371271.1, NM_005270.5); c.278T>G, p.Phe93Cys (NM_001374354.1); short protein forms F218C, F93C.
Identifiers: ClinVar variation 2661927 (VCV002661927.1), dbSNP rs2467685411, ClinGen allele CA348165498.

ClinVar aggregate classification (germline): Uncertain significance (1 of 4 stars; one submission).

Submission:

GeneDx
Classification: Uncertain significance. Last evaluated: 2023-05-08. Review status: criteria provided, single submitter. Criteria: GeneDx Variant Classification Process June 2021. Collection method: clinical testing. Allele origin: germline. Affected: yes.
Comment: Not observed at significant frequency in large population cohorts (gnomAD); In silico analysis supports that this missense variant has a deleterious effect on protein structure/function; Has not been previously published as pathogenic or benign to our knowledge